The following is an entry in ClinVar:

NM_024675.4(PALB2):c.3476G>A (p.Trp1159Ter)

Gene: PALB2 (partner and localizer of BRCA2; minus strand). Cytogenetic location: 16p12.2.
Variant type: single nucleotide variant.
Coding change: c.3476G>A on transcript NM_024675.4 (MANE Select); coding-DNA position 3476, G replaced by A.
Protein change: p.Trp1159Ter; replaces tryptophan 1159 with a stop codon.
Molecular consequence: nonsense.
Genome position (GRCh38, 1-based): chr16:23,603,544, C>T on the plus strand (G>A on the coding strand, the complement: PALB2 is on the minus strand). VCF-style: chr16-23603544-C-T. GRCh37 (hg19) VCF-style: chr16-23614865-C-T.
Other names: short protein forms W1159*.
Identifiers: ClinVar variation 141841 (VCV000141841.8), dbSNP rs587782050, ClinGen allele CA166575.

ClinVar aggregate classification (germline): Pathogenic. Review status: criteria provided, multiple submitters, no conflicts (2 of 4 stars). 3 submissions from 3 submitters: Pathogenic (3). Last evaluated 2024-12-05.

Conditions:
Hereditary cancer-predisposing syndrome. Also called: Neoplastic Syndromes, Hereditary; Tumor predisposition; Hereditary Cancer Syndrome; Hereditary neoplastic syndrome. Identifiers: Orphanet 140162, MedGen C0027672, MeSH D009386, MONDO:0015356.
Familial cancer of breast. Also called: BREAST CANCER, FAMILIAL; Hereditary breast cancer; hereditary breast carcinoma. Identifiers: Orphanet 227535, MedGen C0346153, MONDO:0016419, OMIM 114480. Disease mechanism: loss of function.

Submissions (3):

Molecular Pathology, Peter Maccallum Cancer Centre
Classification: Pathogenic for Familial cancer of breast. Last evaluated: 2024-12-05. Review status: criteria provided, single submitter. Criteria: ACMG Guidelines, 2015. Collection method: clinical testing. Allele origin: germline. Inheritance: Autosomal dominant inheritance.

Myriad Genetics, Inc.
Classification: Pathogenic for Familial cancer of breast. Last evaluated: 2023-09-15. Review status: criteria provided, single submitter. Criteria: Myriad Autosomal Dominant, Autosomal Recessive and X-Linked Classification Criteria (2023). Collection method: clinical testing. Allele origin: unknown.
Comment: This variant is considered pathogenic. This variant creates a termination codon and is predicted to result in premature protein truncation.

Ambry Genetics
Classification: Pathogenic for Hereditary cancer-predisposing syndrome. Last evaluated: 2016-04-22. Review status: criteria provided, single submitter. Criteria: Ambry Variant Classification Scheme 2023. Collection method: clinical testing. Allele origin: germline.
Comment: The p.W1159* pathogenic mutation (also known as c.3476G>A), located in coding exon 13 of the PALB2 gene, results from a G to A substitution at nucleotide position 3476. This changes the amino acid from a tryptophan to a stop codon within coding exon 13. This alteration is expected to result in loss of function by premature protein truncation or nonsense-mediated mRNA decay. As such, this alteration is interpreted as a disease-causing mutation.